The following is an entry in ClinVar:

ClinVar aggregate classification (germline): Benign/Likely benign. Review status: criteria provided, multiple submitters, no conflicts (2 of 4 stars). 2 submissions from 2 submitters: Benign (1); Likely benign (1). Last evaluated 2024-05-24.

Conditions:
Ataxia-telangiectasia syndrome (AT). Also called: ATAXIA-TELANGIECTASIA, COMPLEMENTATION GROUP A; ATAXIA-TELANGIECTASIA, FRESNO VARIANT; Ataxia-telangiectasia; Ataxia-telangiectasia, complementation group E; LOUIS-BAR SYNDROME; Cerebello-oculocutaneous telangiectasia. Identifiers: Orphanet 100, MedGen C0004135, MONDO:0008840, OMIM 208900.
Familial cancer of breast. Also called: BREAST CANCER, FAMILIAL; hereditary breast carcinoma; Hereditary breast cancer. Identifiers: Orphanet 227535, MedGen C0346153, MONDO:0016419, OMIM 114480. Disease mechanism: loss of function.

gnomAD v4.1: 1 of 1,613,550 alleles (0.000062%); no homozygotes.

Submissions (2):

Myriad Genetics, Inc.
Classification: Benign for Familial cancer of breast. Last evaluated: 2024-05-24. Review status: criteria provided, single submitter. Criteria: Myriad Autosomal Dominant, Autosomal Recessive and X-Linked Classification Criteria (2023). Collection method: clinical testing. Allele origin: unknown.
Comment: This variant is considered benign. This variant is a silent/synonymous amino acid change and it is not expected to impact splicing.

Labcorp Genetics (formerly Invitae), Labcorp
Classification: Likely benign for Ataxia-telangiectasia syndrome. Last evaluated: 2024-04-29. Review status: criteria provided, single submitter. Criteria: Invitae Variant Classification Sherloc (09022015). Collection method: clinical testing. Allele origin: germline.

NM_000051.4(ATM):c.5829G>A (p.Lys1943=)

Genes: ATM (ATM serine/threonine kinase; plus strand), C11orf65 (chromosome 11 open reading frame 65; minus strand). Cytogenetic location: 11q22.3.
Variant type: single nucleotide variant.
Coding change: c.5829G>A on transcript NM_000051.4 (MANE Select); coding-DNA position 5829, G replaced by A.
Protein change: p.Lys1943=; no amino-acid change (lysine 1943 retained).
Molecular consequence: synonymous variant. On other transcripts: intron variant (2).
Genome position (GRCh38, 1-based): chr11:108,310,226, G>A. VCF-style: chr11-108310226-G-A. GRCh37 (hg19) VCF-style: chr11-108180953-G-A.
Other names: c.5829G>A, p.Lys1943= (NM_001351834.2); c.641-1155C>T (NM_001330368.2); c.*39-1155C>T (NM_001351110.2).
Identifiers: ClinVar variation 2124498 (VCV002124498.5), dbSNP rs2136014922, ClinGen allele CA476675471.